The following is an entry in ClinVar:

ClinVar aggregate classification (germline): Pathogenic. Review status: criteria provided, single submitter (1 of 4 stars). 2 submissions from 2 submitters: Pathogenic (1). 1 of the submissions does not count toward it. Last evaluated 2023-03-13.

Conditions:
Short-rib thoracic dysplasia 10 without polydactyly. Identifiers: MedGen C4017084.

Allele frequency attached by ClinVar (database versions not stated): gnomAD exomes below 0.00001 and 0.00001; ExAC 0.00001; gnomAD 0.00001; TOPMed 0.00001.
gnomAD v4.1: 10 of 1,614,110 alleles (0.00062%); highest among the groups gnomAD compares: Non-Finnish European, 0.00059%; no homozygotes.

Submissions (2):

GeneDx
Classification: Pathogenic. Last evaluated: 2023-03-13. Review status: criteria provided, single submitter. Criteria: GeneDx Variant Classification Process June 2021. Collection method: clinical testing. Allele origin: germline. Affected: yes.
Comment: Nonsense variant predicted to result in protein truncation or nonsense mediated decay in a gene for which loss of function is a known mechanism of disease; Not observed at significant frequency in large population cohorts (gnomAD); This variant is associated with the following publications: (PMID: 24140113)

OMIM
Classification: Pathogenic for SHORT-RIB THORACIC DYSPLASIA 10 WITHOUT POLYDACTYLY. Last evaluated: 2013-11-07. Review status: no assertion criteria provided. Collection method: literature only. Allele origin: germline. Not counted in ClinVar's aggregate classification.

Literature cited by the submitters: PubMed 24140113 (cited by OMIM).

NM_015662.3(IFT172):c.2716C>T (p.Gln906Ter)

Genes: IFT172 (intraflagellar transport 172; minus strand), LOC126806174 (CDK7 strongly-dependent group 2 enhancer GRCh37_chr2:27681686-27682885; plus strand). Cytogenetic location: 2p23.3.
Variant type: single nucleotide variant.
Coding change: c.2716C>T on transcript NM_015662.3 (MANE Select); coding-DNA position 2716, C replaced by T.
Protein change: p.Gln906Ter; replaces glutamine 906 with a stop codon.
Molecular consequence: nonsense.
Genome position (GRCh38, 1-based): chr2:27,459,449, G>A on the plus strand (C>T on the coding strand, the complement: IFT172 is on the minus strand). VCF-style: chr2-27459449-G-A. GRCh37 (hg19) VCF-style: chr2-27682316-G-A.
Other names: c.2716C>T (NM_015662.2); short protein forms Q906*.
Identifiers: ClinVar variation 97026 (VCV000097026.2), dbSNP rs587777081, ClinGen allele CA149726.